The following is an entry in ClinVar:

NM_000350.3(ABCA4):c.570+1888A>G

Gene: ABCA4 (ATP binding cassette subfamily A member 4; minus strand). Cytogenetic location: 1p22.1.
Variant type: single nucleotide variant.
Coding change: c.570+1888A>G on transcript NM_000350.3 (MANE Select); 1888 bases into the intron after coding-DNA position 570, A replaced by G.
Molecular consequence: intron variant.
Genome position (GRCh38, 1-based): chr1:94,101,127, T>C on the plus strand (A>G on the coding strand, the complement: ABCA4 is on the minus strand). VCF-style: chr1-94101127-T-C. GRCh37 (hg19) VCF-style: chr1-94566683-T-C.
Identifiers: ClinVar variation 680451 (VCV000680451.1), dbSNP rs577059, ClinGen allele CA26889294.
Genomic context (GRCh38, chr1:94,101,127, plus strand): 5'-AACATGAAATAAAGGCACAACCTGGTGACCCCGGCCTCCATTCTCCAACATGAAAGGCCT[T>C]GGCACTGATGCCAGAAGCACAGTACTAGAGATCTAAATGTCACATTAGTAAGGAACTGGA-3'

ClinVar aggregate classification (germline): Benign (1 of 4 stars; one submission).

Allele frequency attached by ClinVar (database versions not stated): TOPMed 0.99647; gnomAD 0.99685; 1000 Genomes Project 0.99720; 1000 Genomes Project 30x 0.99781.
gnomAD v4.1: 151,894 of 152,384 alleles (100%); highest among the groups gnomAD compares: Middle Eastern, 100%; 75,705 homozygotes.

Submission:

GeneDx
Classification: Benign. Last evaluated: 2018-06-19. Review status: criteria provided, single submitter. Criteria: GeneDx Variant Classification (06012015). Collection method: clinical testing. Allele origin: germline. Affected: yes.
Comment: This variant is considered likely benign or benign based on one or more of the following criteria: it is a conservative change, it occurs at a poorly conserved position in the protein, it is predicted to be benign by multiple in silico algorithms, and/or has population frequency not consistent with disease.